The following is an entry in ClinVar:

ClinVar aggregate classification (germline): Likely benign. Review status: criteria provided, single submitter (1 of 4 stars). 2 submissions from 1 submitter: Likely benign (1). 1 of the submissions does not count toward it. Last evaluated 2019-04-01.

Conditions:
Endometrial carcinoma. Also called: Endometrial carcinoma, somatic. Identifiers: MedGen C0476089, MONDO:0002447, OMIM 608089, HP:0012114.
Lynch syndrome 4 (LYNCH4). Also called: Colorectal cancer, hereditary nonpolyposis, type 4; Hereditary non-polyposis colorectal cancer, type 4. Identifiers: Orphanet 144, MedGen C1838333, MONDO:0013699, OMIM 614337. Disease mechanism: loss of function.

Submissions (2):

Department of Pathology and Laboratory Medicine, Sinai Health System
Classification: Likely benign for Lynch syndrome 4. Last evaluated: 2019-04-01. Review status: criteria provided, single submitter. Criteria: ACMG Guidelines, 2015. Collection method: research. Allele origin: germline.

Department of Pathology and Laboratory Medicine, Sinai Health System
Classification: Likely benign for Endometrial carcinoma. Review status: no assertion criteria provided. Collection method: clinical testing. Allele origin: unknown. Affected: yes. Study: The Canadian Open Genetics Repository (COGR). Not counted in ClinVar's aggregate classification.
Comment: PMS2, EXON 01, c.23+16A>G, p.?, (Alias: IVS 1+16), Variant of Unknown Significance (ACMG 3) The PMS2 c.23+16A>G (p.?) variant was not identified in the literature nor was it identified in the GeneInsight, HGMD, COSMIC, Mut, MMRUV, InSiGHT Colon Cancer or Zheilang Colon Cancer databases. This variant was not listed in the dbSNP database and no frequency information was provided, thus the prevalence of this variant in the general population could not be determined. The p.? Variant is not expected to have clinical significance because it does not result in a change of amino acid and is not located in a known consensus splice site; however it cannot be decisively concluded as benign. In summary, based on the above information, the clinical significance of this variant cannot be determined with certainty at this time. This variant is classified as a variant of unknown significance (likely benign).

NM_000535.7(PMS2):c.23+16A>G

Gene: PMS2 (PMS1 homolog 2, mismatch repair system component; minus strand). Cytogenetic location: 7p22.1.
Variant type: single nucleotide variant.
Coding change: c.23+16A>G on transcript NM_000535.7 (MANE Select); 16 bases into the intron after coding-DNA position 23, A replaced by G.
Molecular consequence: intron variant. On other transcripts: 5 prime UTR variant (2).
Genome position (GRCh38, 1-based): chr7:6,008,981, T>C on the plus strand (A>G on the coding strand, the complement: PMS2 is on the minus strand). VCF-style: chr7-6008981-T-C. GRCh37 (hg19) VCF-style: chr7-6048612-T-C.
Other names: c.-557A>G (NM_001322005.2); c.-552A>G (NM_001322009.2); c.-53+16A>G (NM_001322008.2); c.-243+16A>G (NM_001322010.2, NM_001322004.2); c.-378+16A>G (NM_001322013.2, NM_001322003.2); c.-857+16A>G (NM_001322012.2); c.-457+16A>G (NM_001322015.2); c.-193+16A>G (NM_001322007.2); and 2 more.
Identifiers: ClinVar variation 434023 (VCV000434023.3), dbSNP rs1554308921, ClinGen allele CA645372440.